The following is an entry in ClinVar:

ClinVar aggregate classification (germline): Likely benign (1 of 4 stars; one submission).

Submission:

CeGaT Center for Human Genetics Tuebingen
Classification: Likely benign. Last evaluated: 2026-01-01. Review status: criteria provided, single submitter. Criteria: CeGaT Center For Human Genetics Tuebingen Variant Classification Criteria Version 2. Collection method: clinical testing. Allele origin: germline. Affected: yes. Observed: 1 variant allele.
Comment: SPAG1: PM2:Supporting, BP4, BP7

NM_003114.5(SPAG1):c.2664A>C (p.Leu888=)

Gene: SPAG1 (sperm associated antigen 1; plus strand). Cytogenetic location: 8q22.2.
Variant type: single nucleotide variant.
Coding change: c.2664A>C on transcript NM_003114.5 (MANE Select); coding-DNA position 2664, A replaced by C.
Protein change: p.Leu888=; no amino-acid change (leucine 888 retained).
Molecular consequence: synonymous variant.
Genome position (GRCh38, 1-based): chr8:100,240,905, A>C. VCF-style: chr8-100240905-A-C. GRCh37 (hg19) VCF-style: chr8-101253133-A-C.
Other names: c.2664A>C, p.Leu888= (NM_001374321.1, NM_172218.3).
Identifiers: ClinVar variation 4822709 (VCV004822709.4).